The following is an entry in ClinVar:

NM_005359.6(SMAD4):c.1088G>A (p.Cys363Tyr)

Gene: SMAD4 (SMAD family member 4; plus strand). Cytogenetic location: 18q21.2.
Variant type: single nucleotide variant.
Coding change: c.1088G>A on transcript NM_005359.6 (MANE Select); coding-DNA position 1088, G replaced by A.
Protein change: p.Cys363Tyr; replaces cysteine 363 with tyrosine.
Molecular consequence: missense variant.
Genome position (GRCh38, 1-based): chr18:51,065,555, G>A. VCF-style: chr18-51065555-G-A. GRCh37 (hg19) VCF-style: chr18-48591925-G-A.
Other names: short protein forms C363Y.
Identifiers: ClinVar variation 233663 (VCV000233663.15), dbSNP rs876660556, ClinGen allele CA10580985.

ClinVar aggregate classification (germline): Likely pathogenic. Review status: criteria provided, multiple submitters, no conflicts (2 of 4 stars). 2 submissions from 2 submitters: Likely pathogenic (2). Last evaluated 2023-06-16.

Conditions:
Juvenile polyposis syndrome (JPS). Identifiers: Orphanet 2929, MedGen C0345893, MONDO:0017380, OMIM 174900.
Familial thoracic aortic aneurysm and aortic dissection (TAAD). Also called: Thoracic aortic aneurysms and dissections. Identifiers: Orphanet 91387, MedGen C4707243, MONDO:0019625.
Hereditary cancer-predisposing syndrome. Also called: Tumor predisposition; Hereditary Cancer Syndrome; Hereditary neoplastic syndrome; Neoplastic Syndromes, Hereditary. Identifiers: Orphanet 140162, MedGen C0027672, MeSH D009386, MONDO:0015356.

Submissions (2):

Labcorp Genetics (formerly Invitae), Labcorp
Classification: Likely pathogenic for Juvenile polyposis syndrome. Last evaluated: 2023-06-16. Review status: criteria provided, single submitter. Criteria: Invitae Variant Classification Sherloc (09022015). Collection method: clinical testing. Allele origin: germline.
Comment: In summary, the currently available evidence indicates that the variant is pathogenic, but additional data are needed to prove that conclusively. Therefore, this variant has been classified as Likely Pathogenic. This variant disrupts the p.Cys363 amino acid residue in SMAD4. Other variant(s) that disrupt this residue have been determined to be pathogenic (PMID: 17873119, 23805858). This suggests that this residue is clinically significant, and that variants that disrupt this residue are likely to be disease-causing. Advanced modeling performed at Invitae incorporating data from internal and/or published experimental studies (Invitae) indicates that this missense variant is expected to disrupt SMAD4 function. ClinVar contains an entry for this variant (Variation ID: 233663). This missense change has been observed in individuals with clinical features of SMAD4-related conditions (Invitae). This variant is not present in population databases (gnomAD no frequency). This sequence change replaces cysteine, which is neutral and slightly polar, with tyrosine, which is neutral and polar, at codon 363 of the SMAD4 protein (p.Cys363Tyr).

Ambry Genetics
Classification: Likely pathogenic for Hereditary cancer-predisposing syndrome; Familial thoracic aortic aneurysm and aortic dissection. Last evaluated: 2018-08-03. Review status: criteria provided, single submitter. Criteria: Ambry Variant Classification Scheme 2023. Collection method: clinical testing. Allele origin: germline.
Comment: The p.C363Y variant (also known as c.1088G>A), located in coding exon 8 of the SMAD4 gene, results from a G to A substitution at nucleotide position 1088. The cysteine at codon 363 is replaced by tyrosine, an amino acid with highly dissimilar properties. Crystal structure analysis showed that this residue interacts with Arg361 which contacts SMAD2/3 (Fleming N et al. Cancer Res. 2013 Jan; 73(2):725-35). The p.C363Y variant has been detected in individuals with a personal and/or family history consistent with juvenile polyposis syndrome (JPS) (Ambry internal data). Another alteration at the same codon, p.C363R, has been described in individuals with clinical Juvenile Polyposis syndrome (JPS) (Aretz S et al. J. Med. Genet. 2007 Nov;44(11):702-9; Ngeow J et al. Gastroenterology 2013 Jun;144(7):1402-9). This amino acid position is highly conserved in available vertebrate species. In addition, this alteration is predicted to be deleterious by in silico analysis. Based on the majority of available evidence to date, this variant is likely to be pathogenic.

Literature cited by the submitters: PubMed 17873119 (cited by Labcorp Genetics (formerly Invitae), Labcorp); PubMed 23805858 (cited by Labcorp Genetics (formerly Invitae), Labcorp).